The following is an entry in ClinVar:

ClinVar aggregate classification (germline): Uncertain significance (1 of 4 stars; one submission).

Submission:

Labcorp Genetics (formerly Invitae), Labcorp
Classification: Uncertain significance. Last evaluated: 2024-05-06. Review status: criteria provided, single submitter. Criteria: Invitae Variant Classification Sherloc (09022015). Collection method: clinical testing. Allele origin: germline.
Comment: This sequence change replaces serine, which is neutral and polar, with alanine, which is neutral and non-polar, at codon 3004 of the HUWE1 protein (p.Ser3004Ala). This variant is not present in population databases (gnomAD no frequency). This variant has not been reported in the literature in individuals affected with HUWE1-related conditions. Advanced modeling of protein sequence and biophysical properties (such as structural, functional, and spatial information, amino acid conservation, physicochemical variation, residue mobility, and thermodynamic stability) has been performed at Invitae for this missense variant, however the output from this modeling did not meet the statistical confidence thresholds required to predict the impact of this variant on HUWE1 protein function. In summary, the available evidence is currently insufficient to determine the role of this variant in disease. Therefore, it has been classified as a Variant of Uncertain Significance.

NM_031407.7(HUWE1):c.9010T>G (p.Ser3004Ala)

Gene: HUWE1 (HECT, UBA and WWE domain containing E3 ubiquitin protein ligase 1; minus strand). Cytogenetic location: Xp11.22.
Variant type: single nucleotide variant.
Coding change: c.9010T>G on transcript NM_031407.7 (MANE Select); coding-DNA position 9010, T replaced by G.
Protein change: p.Ser3004Ala; replaces serine 3004 with alanine.
Molecular consequence: missense variant.
Genome position (GRCh38, 1-based): chrX:53,551,352, A>C on the plus strand (T>G on the coding strand, the complement: HUWE1 is on the minus strand). VCF-style: chrX-53551352-A-C. GRCh37 (hg19) VCF-style: chrX-53578313-A-C.
Other names: short protein forms S3004A.
Identifiers: ClinVar variation 3685403 (VCV003685403.2).